The following is an entry in ClinVar:

ClinVar aggregate classification (germline): Uncertain significance. Review status: criteria provided, multiple submitters, no conflicts (2 of 4 stars). 2 submissions from 2 submitters: Uncertain significance (2). Last evaluated 2025-08-25.

Conditions:
Hereditary cancer-predisposing syndrome. Also called: Tumor predisposition; Neoplastic Syndromes, Hereditary; Hereditary neoplastic syndrome; Hereditary Cancer Syndrome. Identifiers: Orphanet 140162, MedGen C0027672, MeSH D009386, MONDO:0015356.

Allele frequency attached by ClinVar (database versions not stated): gnomAD exomes below 0.00001.
gnomAD v4.1: 1 of 1,611,106 alleles (0.000062%); highest among the groups gnomAD compares: Non-Finnish European, 0.000085%; no homozygotes.

Submissions (2):

Ambry Genetics
Classification: Uncertain significance for Hereditary cancer-predisposing syndrome. Last evaluated: 2025-08-25. Review status: criteria provided, single submitter. Criteria: Ambry Variant Classification Scheme 2023. Collection method: clinical testing. Allele origin: germline.
Comment: The p.G733S variant (also known as c.2197G>A), located in coding exon 13 of the ATM gene, results from a G to A substitution at nucleotide position 2197. The glycine at codon 733 is replaced by serine, an amino acid with similar properties. This amino acid position is highly conserved in available vertebrate species. In addition, this alteration is predicted to be tolerated by in silico analysis. Since supporting evidence is limited at this time, the clinical significance of this alteration remains unclear.

Color Diagnostics, LLC DBA Color Health
Classification: Uncertain significance for Hereditary cancer-predisposing syndrome. Last evaluated: 2023-12-05. Review status: criteria provided, single submitter. Criteria: ACMG Guidelines, 2015. Collection method: clinical testing. Allele origin: germline.
Comment: This missense variant replaces glycine with serine at codon 733 of the ATM protein. Computational prediction suggests that this variant may not impact protein structure and function (internally defined REVEL score threshold <= 0.5, PMID: 27666373). To our knowledge, functional studies have not been reported for this variant. This variant has not been reported in individuals affected with ATM-related disorders in the literature. This variant has not been identified in the general population by the Genome Aggregation Database (gnomAD). The available evidence is insufficient to determine the role of this variant in disease conclusively. Therefore, this variant is classified as a Variant of Uncertain Significance.

NM_000051.4(ATM):c.2197G>A (p.Gly733Ser)

Gene: ATM (ATM serine/threonine kinase; plus strand). Cytogenetic location: 11q22.3.
Variant type: single nucleotide variant.
Coding change: c.2197G>A on transcript NM_000051.4 (MANE Select); coding-DNA position 2197, G replaced by A.
Protein change: p.Gly733Ser; replaces glycine 733 with serine.
Molecular consequence: missense variant.
Genome position (GRCh38, 1-based): chr11:108,256,287, G>A. VCF-style: chr11-108256287-G-A. GRCh37 (hg19) VCF-style: chr11-108127014-G-A.
Other names: c.2197G>A, p.Gly733Ser (NM_001351834.2); short protein forms G733S.
Identifiers: ClinVar variation 630916 (VCV000630916.8), dbSNP rs1565394966, ClinGen allele CA382538958.